The following continues an entry in ClinVar:

NM_000059.4(BRCA2):c.7847C>T (p.Ser2616Phe)

Gene: BRCA2. ClinVar aggregate classification (germline): Pathogenic. Pathogenic (1).

Submissions 6 to 7 of 7:

Women's Health and Genetics/Laboratory Corporation of America, LabCorp
Classification: Uncertain significance. Last evaluated: 2025-01-13. Review status: criteria provided, single submitter. Criteria: LabCorp Variant Classification Summary - May 2015. Collection method: clinical testing. Allele origin: germline. Not counted in ClinVar's aggregate classification.
Comment: Variant summary: BRCA2 c.7847C>T (p.Ser2616Phe) results in a non-conservative amino acid change located in the Breast cancer type 2 susceptibility protein, helical domain (IPR015252) of the encoded protein sequence. Five of five in-silico tools predict a damaging effect of the variant on protein function. The variant allele was present at an overall frequency of 3.1e-05 in 359836 control chromosomes, at a frequency of 0.0001 in 108604 control chromosomes in the Japanese ToMMo 54KJPN cohort (Idogawa_2024), while it was absent in 251232 control chromosomes in gnomAD database underrepresented for this population. This frequency is not significantly higher than estimated for a pathogenic variant in BRCA2 causing Hereditary Breast and Ovarian Cancer Syndrome (3.1e-05 vs 0.00075 or 0.0001 vs 0.00075), allowing no conclusion about variant significance. c.7847C>T has been reported in the literature in individuals affected with breast cancer and/or ovarian cancers (example Sugano_2008, Momozawa_2018, Pop_2018, Yamazawa_2023), other cancers such as biliary tract cancer (Okawa_2023), endometrial cancer (example, Gaia-Oltean_2021), with another putatively pathogenic variant in an individual with Fanconi Anemia complementation group D1 (Mori_2019 cited in Radulovic_2023 and Reynolds_2022), as well as in unaffected controls (example, Momozawa_2018, Idogawa_2024). The phase of this variant (in trans) is unknown in the individual with Fanconi Anemia complementation group D1 (Mori_2019, personal correspondence). These data do not allow unequivocal conclusions about variant significance. At least two publications report moderately conflicting experimental evidence evaluating an impact on protein function. The most pronounced variant effect results in an attenuated/hypomorphic Homologous Recombination (HR) activity (Guo_2023 cited in Reynolds_2022) and a pathogenic outcome (fClass5) in another assay system evaluating sensitivity to platinum-based chemotherapies and poly (ADP-ribose) polymerase (PARP) inhibitors (Yamazawa_2023). The following publications have been ascertained in the context of this evaluation (PMID: 33948387, 37731132, 38409497, 30287823, 30792206, 36243179, 29202330, 36721989, 34687993, 19016756, 37067535). ClinVar contains an entry for this variant (Variation ID: 630829). Based on the evidence outlined above, the variant is classified as VUS-possibly pathogenic.

Color Diagnostics, LLC DBA Color Health
Classification: Uncertain significance for Hereditary cancer-predisposing syndrome. Last evaluated: 2020-01-13. Review status: criteria provided, single submitter. Criteria: ACMG Guidelines, 2015. Collection method: clinical testing. Allele origin: germline. Not counted in ClinVar's aggregate classification.
Comment: This missense variant replaces serine with phenylalanine at codon 2616 of the BRCA2 protein. Computational prediction is inconclusive regarding the impact of this variant on protein structure and function (internally defined REVEL score threshold 0.5 < inconclusive < 0.7, PMID: 27666373). Splice site prediction tools suggest that this variant may not impact RNA splicing. To our knowledge, functional studies have not been performed for this variant. This variant has been reported in individuals affected with breast and/or ovarian cancer (PMID: 19016756) and co-occurred with BRCA2 c.475+1G>A in one case of Fanconi Anemia in the literature (PMID: 30792206). This variant has not been identified in the general population by the Genome Aggregation Database (gnomAD). The available evidence is insufficient to determine the role of this variant in disease conclusively. Therefore, this variant is classified as a Variant of Uncertain Significance.

Literature cited by the submitters: PubMed 38417439 (cited by Myriad Genetics, Inc. and Dept of Medical Genetics, NHO Tokyo Medical Center); PubMed 37731132 (cited by 5 submitters); PubMed 39779857 (cited by 3 submitters); PubMed 39779848 (cited by 3 submitters); PubMed 30792206 (cited by 5 submitters); PubMed 41856558 (cited by Myriad Genetics, Inc. and Dept of Medical Genetics, NHO Tokyo Medical Center); PubMed 40035318 (cited by Dept of Medical Genetics, NHO Tokyo Medical Center); PubMed 19016756 (cited by 3 submitters); PubMed 30287823 (cited by 3 submitters); PubMed 37067535 (cited by Labcorp Genetics (formerly Invitae), Labcorp and Women's Health and Genetics/Laboratory Corporation of America, LabCorp); PubMed 32444794 (cited by Labcorp Genetics (formerly Invitae), Labcorp and Ambry Genetics); PubMed 29202330 (cited by Women's Health and Genetics/Laboratory Corporation of America, LabCorp); PubMed 33948387 (cited by Women's Health and Genetics/Laboratory Corporation of America, LabCorp); PubMed 34687993 (cited by Women's Health and Genetics/Laboratory Corporation of America, LabCorp); PubMed 36243179 (cited by Women's Health and Genetics/Laboratory Corporation of America, LabCorp); PubMed 36721989 (cited by Women's Health and Genetics/Laboratory Corporation of America, LabCorp); PubMed 38409497 (cited by Women's Health and Genetics/Laboratory Corporation of America, LabCorp).